The following is an entry in ClinVar:

NM_000503.6(EYA1):c.966+4C>G

Gene: EYA1 (EYA transcriptional coactivator and phosphatase 1; minus strand). Cytogenetic location: 8q13.3.
Variant type: single nucleotide variant.
Coding change: c.966+4C>G on transcript NM_000503.6 (MANE Select); 4 bases into the intron after coding-DNA position 966, C replaced by G.
Molecular consequence: intron variant.
Genome position (GRCh38, 1-based): chr8:71,271,754, G>C on the plus strand (C>G on the coding strand, the complement: EYA1 is on the minus strand). VCF-style: chr8-71271754-G-C. GRCh37 (hg19) VCF-style: chr8-72183989-G-C.
Other names: c.1035+4C>G (NM_001370336.1); c.1053+4C>G (NM_001370333.1); c.966+4C>G (NM_001370335.1, NM_001370334.1, NM_172058.4); c.1038+4C>G (NM_172059.5); c.867+4C>G (NM_001411797.1, NM_172060.4); c.600+4C>G (NM_001288575.2); c.948+4C>G (NM_001288574.2).
Identifiers: ClinVar variation 2877312 (VCV002877312.3), dbSNP rs139429307, ClinGen allele CA582538166.

ClinVar aggregate classification (germline): Uncertain significance (1 of 4 stars; one submission).

Conditions:
Melnick-Fraser syndrome (BOR). Also called: Branchio-oto-renal syndrome; Branchiootorenal Syndrome (BORS); Branchiootorenal syndrome. Identifiers: Orphanet 107, MedGen C0265234, MONDO:0007029.

gnomAD v4.1: 2 of 1,614,138 alleles (0.00012%); highest among the groups gnomAD compares: Non-Finnish European, 0.000085%; no homozygotes.

Submission:

Labcorp Genetics (formerly Invitae), Labcorp
Classification: Uncertain significance for Melnick-Fraser syndrome. Last evaluated: 2024-01-04. Review status: criteria provided, single submitter. Criteria: Invitae Variant Classification Sherloc (09022015). Collection method: clinical testing. Allele origin: germline.
Comment: This sequence change falls in intron 10 of the EYA1 gene. It does not directly change the encoded amino acid sequence of the EYA1 protein. It affects a nucleotide within the consensus splice site. This variant is present in population databases (no rsID available, gnomAD 0.0009%). This variant has not been reported in the literature in individuals affected with EYA1-related conditions. Variants that disrupt the consensus splice site are a relatively common cause of aberrant splicing (PMID: 17576681, 9536098). Algorithms developed to predict the effect of sequence changes on RNA splicing suggest that this variant is not likely to affect RNA splicing. In summary, the available evidence is currently insufficient to determine the role of this variant in disease. Therefore, it has been classified as a Variant of Uncertain Significance.

Literature cited by the submitters: PubMed 17576681; PubMed 9536098.